The following is an entry in ClinVar:

NM_001382391.1(CSPP1):c.294T>A (p.Tyr98Ter)

Gene: CSPP1 (centrosome and spindle pole associated protein 1; plus strand). Cytogenetic location: 8q13.1.
Variant type: single nucleotide variant.
Coding change: c.294T>A on transcript NM_001382391.1 (MANE Select); coding-DNA position 294, T replaced by A.
Protein change: p.Tyr98Ter; replaces tyrosine 98 with a stop codon.
Molecular consequence: nonsense. On other transcripts: 5 prime UTR variant (1).
Genome position (GRCh38, 1-based): chr8:67,086,101, T>A. VCF-style: chr8-67086101-T-A. GRCh37 (hg19) VCF-style: chr8-67998336-T-A.
Other names: c.-481T>A (NM_001291339.2); c.294T>A, p.Tyr98Ter (NM_001363131.2, NM_001363132.2, NM_001363133.2); c.402T>A, p.Tyr134Ter (NM_001364869.1, NM_001364870.1, NM_024790.7); short protein forms Y134*, Y98*.
Identifiers: ClinVar variation 3383054 (VCV003383054.4).
Genomic context (GRCh38, chr8:67,086,101, plus strand): 5'-AGACTATGAACGGAAGAAACATAAATTAAAAGAAGAATTGCGGCAAGATTACAGACGTTA[T>A]CTTACTCAGGTAATGAGTTCTATTAATGAGTTGGGTTTAATGTTTCAGAATTCAGCTCCT-3'

ClinVar aggregate classification (germline): Pathogenic/Likely pathogenic. Review status: criteria provided, multiple submitters, no conflicts (2 of 4 stars). 2 submissions from 2 submitters: Pathogenic (1); Likely pathogenic (1). Last evaluated 2021-09-04.

Conditions:
CSPP1-related disorder. Also called: CSPP1-related condition.
Joubert syndrome 21 (JBTS21). Identifiers: MedGen C3810212, MONDO:0014288, OMIM 615636.

gnomAD v4.1: 2 of 1,365,454 alleles (0.00015%); highest among the groups gnomAD compares: East Asian, 0.0046%; no homozygotes.

Submissions (2):

Blueprint Genetics
Classification: Likely pathogenic for CSPP1-related disorders. Last evaluated: 2021-09-04. Review status: criteria provided, single submitter. Criteria: ACMG Guidelines, 2015. Collection method: clinical testing. Allele origin: germline. Affected: yes. Observed: 1 variant allele.

Juno Genomics, Hangzhou Juno Genomics, Inc
Classification: Pathogenic for Joubert syndrome 21. Review status: criteria provided, single submitter. Criteria: ACMG Guidelines, 2015. Collection method: clinical testing. Allele origin: germline. Affected: yes.
Comment: Null variant in a gene where loss of function (LOF) is a known mechanism of disease.;Absent from controls (or at extremely low frequency if recessive) in Genome Aggregation Database.;For recessive disorders, detected in trans with a pathogenic variant.